The following is an entry in ClinVar:

NM_004621.6(TRPC6):c.535G>A (p.Ala179Thr)

Gene: TRPC6 (transient receptor potential cation channel subfamily C member 6; minus strand). Cytogenetic location: 11q22.1.
Variant type: single nucleotide variant.
Coding change: c.535G>A on transcript NM_004621.6 (MANE Select); coding-DNA position 535, G replaced by A.
Protein change: p.Ala179Thr; replaces alanine 179 with threonine.
Molecular consequence: missense variant.
Genome position (GRCh38, 1-based): chr11:101,504,434, C>T on the plus strand (G>A on the coding strand, the complement: TRPC6 is on the minus strand). VCF-style: chr11-101504434-C-T. GRCh37 (hg19) VCF-style: chr11-101375165-C-T.
Other names: short protein forms A179T.
Identifiers: ClinVar variation 1314259 (VCV001314259.2), dbSNP rs1336834471, ClinGen allele CA382450139.
Genomic context (GRCh38, chr11:101,504,434, plus strand): 5'-ACTGGCTAGGGCTGGTTGCTAACCTCTTGCCTTCAGCAAAAGCCGGATGACTGAGAATTG[C>T]TTCCACAATCCGAACATAACCTTTACTAATAGCTAGAAGCAAAGCATCCCCAACTCGAGA-3'
Protein context (NP_004612.2, residues 169-189): ISKGYVRIVE[Ala179Thr]ILSHPAFAEG

ClinVar aggregate classification (germline): Uncertain significance (1 of 4 stars; one submission).

Allele frequency attached by ClinVar (database versions not stated): TOPMed below 0.00001; gnomAD 0.00001.
gnomAD v4.1: 1 of 1,613,972 alleles (0.000062%); highest among the groups gnomAD compares: Non-Finnish European, 0.000085%; no homozygotes.

Submission:

GeneDx
Classification: Uncertain significance. Last evaluated: 2021-03-30. Review status: criteria provided, single submitter. Criteria: GeneDx Variant Classification Process June 2021. Collection method: clinical testing. Allele origin: germline. Affected: yes.
Comment: Not observed in large population cohorts (Lek et al., 2016); In silico analysis supports that this missense variant does not alter protein structure/function; Has not been previously published as pathogenic or benign to our knowledge